The following is an entry in ClinVar:

NM_001903.5(CTNNA1):c.1708G>C (p.Glu570Gln)

Gene: CTNNA1 (catenin alpha 1; plus strand). Cytogenetic location: 5q31.2.
Variant type: single nucleotide variant.
Coding change: c.1708G>C on transcript NM_001903.5 (MANE Select); coding-DNA position 1708, G replaced by C.
Protein change: p.Glu570Gln; replaces glutamic acid 570 with glutamine.
Molecular consequence: missense variant.
Genome position (GRCh38, 1-based): chr5:138,924,671, G>C. VCF-style: chr5-138924671-G-C. GRCh37 (hg19) VCF-style: chr5-138260360-G-C.
Other names: c.598G>C, p.Glu200Gln (NM_001323996.1, NM_001323997.1, NM_001323998.1 and 17 more transcripts); c.1708G>C (NM_001903.2); c.1708G>C, p.Glu570Gln (NM_001290307.3, NM_001323982.2, NM_001323983.1 and 2 more transcripts); c.1399G>C, p.Glu467Gln (NM_001290309.3); c.1339G>C, p.Glu447Gln (NM_001290310.3); c.1615G>C, p.Glu539Gln (NM_001323986.2); c.259G>C, p.Glu87Gln (NM_001324006.1, NM_001324007.1, NM_001324008.1 and 2 more transcripts); c.505G>C, p.Glu169Gln (NM_001324011.1); and 1 more; short protein forms E467Q, E539Q, E570Q, E200Q, E119Q, E169Q, E447Q, E87Q.
Identifiers: ClinVar variation 2749777 (VCV002749777.4), dbSNP rs2533713094, ClinGen allele CA361132022.

ClinVar aggregate classification (germline): Uncertain significance. Review status: criteria provided, multiple submitters, no conflicts (2 of 4 stars). 2 submissions from 2 submitters: Uncertain significance (2). Last evaluated 2025-07-10.

Conditions:
Hereditary cancer-predisposing syndrome. Also called: Neoplastic Syndromes, Hereditary; Hereditary Cancer Syndrome; Tumor predisposition; Hereditary neoplastic syndrome. Identifiers: Orphanet 140162, MedGen C0027672, MeSH D009386, MONDO:0015356.

Submissions (2):

Ambry Genetics
Classification: Uncertain significance for Hereditary cancer-predisposing syndrome. Last evaluated: 2025-07-10. Review status: criteria provided, single submitter. Criteria: Ambry Variant Classification Scheme 2023. Collection method: clinical testing. Allele origin: germline.
Comment: The p.E570Q variant (also known as c.1708G>C), located in coding exon 11 of the CTNNA1 gene, results from a G to C substitution at nucleotide position 1708. The glutamic acid at codon 570 is replaced by glutamine, an amino acid with highly similar properties. This amino acid position is conserved. In addition, the in silico prediction for this alteration is inconclusive. Based on the available evidence, the clinical significance of this variant remains unclear.

Labcorp Genetics (formerly Invitae), Labcorp
Classification: Uncertain significance. Last evaluated: 2023-08-03. Review status: criteria provided, single submitter. Criteria: Invitae Variant Classification Sherloc (09022015). Collection method: clinical testing. Allele origin: germline.
Comment: In summary, the available evidence is currently insufficient to determine the role of this variant in disease. Therefore, it has been classified as a Variant of Uncertain Significance. Advanced modeling of protein sequence and biophysical properties (such as structural, functional, and spatial information, amino acid conservation, physicochemical variation, residue mobility, and thermodynamic stability) performed at Invitae indicates that this missense variant is not expected to disrupt CTNNA1 protein function. This sequence change replaces glutamic acid, which is acidic and polar, with glutamine, which is neutral and polar, at codon 570 of the CTNNA1 protein (p.Glu570Gln). This variant is not present in population databases (gnomAD no frequency). This variant has not been reported in the literature in individuals affected with CTNNA1-related conditions.